The following is an entry in ClinVar:

ClinVar aggregate classification (germline): Uncertain significance (1 of 4 stars; one submission).

Conditions:
Familial cancer of breast. Also called: hereditary breast carcinoma; BREAST CANCER, FAMILIAL; Hereditary breast cancer. Identifiers: Orphanet 227535, MedGen C0346153, MONDO:0016419, OMIM 114480. Disease mechanism: loss of function.

Submission:

Labcorp Genetics (formerly Invitae), Labcorp
Classification: Uncertain significance for Familial cancer of breast. Last evaluated: 2025-05-28. Review status: criteria provided, single submitter. Criteria: Invitae Variant Classification Sherloc (09022015). Collection method: clinical testing. Allele origin: germline.
Comment: This sequence change replaces tyrosine, which is neutral and polar, with asparagine, which is neutral and polar, at codon 298 of the CHEK2 protein (p.Tyr298Asn). This variant is not present in population databases (gnomAD no frequency). This variant has not been reported in the literature in individuals affected with CHEK2-related conditions. An algorithm developed to predict the effect of missense changes on protein structure and function (PolyPhen-2) suggests that this variant is likely to be disruptive. In summary, the available evidence is currently insufficient to determine the role of this variant in disease. Therefore, it has been classified as a Variant of Uncertain Significance.

NM_007194.4(CHEK2):c.892T>A (p.Tyr298Asn)

Gene: CHEK2 (checkpoint kinase 2; minus strand). Cytogenetic location: 22q12.1.
Variant type: single nucleotide variant.
Coding change: c.892T>A on transcript NM_007194.4 (MANE Select); coding-DNA position 892, T replaced by A.
Protein change: p.Tyr298Asn; replaces tyrosine 298 with asparagine.
Molecular consequence: missense variant.
Genome position (GRCh38, 1-based): chr22:28,703,521, A>T on the plus strand (T>A on the coding strand, the complement: CHEK2 is on the minus strand). VCF-style: chr22-28703521-A-T. GRCh37 (hg19) VCF-style: chr22-29099509-A-T.
Other names: c.1021T>A, p.Tyr341Asn (NM_001005735.3, NM_001438294.1); c.229T>A, p.Tyr77Asn (NM_001257387.3, NM_001437942.1); c.691T>A, p.Tyr231Asn (NM_001349956.3); c.985T>A, p.Tyr329Asn (NM_001438293.1, NM_001438295.1); c.892T>A, p.Tyr298Asn (NM_145862.3); short protein forms Y329N, Y298N, Y341N, Y77N, Y231N.
Identifiers: ClinVar variation 4720395 (VCV004720395.1).